The following is an entry in ClinVar:

ClinVar aggregate classification (germline): Uncertain significance (1 of 4 stars; one submission).

Allele frequency attached by ClinVar (database versions not stated): TOPMed below 0.00001; ExAC 0.00001; gnomAD exomes 0.00001.

Submission:

Labcorp Genetics (formerly Invitae), Labcorp
Classification: Uncertain significance. Last evaluated: 2023-07-22. Review status: criteria provided, single submitter. Criteria: Invitae Variant Classification Sherloc (09022015). Collection method: clinical testing. Allele origin: germline.
Comment: An algorithm developed to predict the effect of missense changes on protein structure and function (PolyPhen-2) suggests that this variant is likely to be tolerated. This sequence change replaces glutamic acid, which is acidic and polar, with aspartic acid, which is acidic and polar, at codon 131 of the FGF20 protein (p.Glu131Asp). This variant is present in population databases (rs765043985, gnomAD 0.05%). This variant has not been reported in the literature in individuals affected with FGF20-related conditions. In summary, the available evidence is currently insufficient to determine the role of this variant in disease. Therefore, it has been classified as a Variant of Uncertain Significance.

NM_019851.3(FGF20):c.393G>C (p.Glu131Asp)

Gene: FGF20 (fibroblast growth factor 20; minus strand). Cytogenetic location: 8p22.
Variant type: single nucleotide variant.
Coding change: c.393G>C on transcript NM_019851.3 (MANE Select); coding-DNA position 393, G replaced by C.
Protein change: p.Glu131Asp; replaces glutamic acid 131 with aspartic acid.
Molecular consequence: missense variant.
Genome position (GRCh38, 1-based): chr8:16,993,315, C>G on the plus strand (G>C on the coding strand, the complement: FGF20 is on the minus strand). VCF-style: chr8-16993315-C-G. GRCh37 (hg19) VCF-style: chr8-16850824-C-G.
Other names: short protein forms E131D.
Identifiers: ClinVar variation 2998901 (VCV002998901.3), dbSNP rs765043985, ClinGen allele CA4641602.